The following is an entry in ClinVar:

ClinVar aggregate classification (germline): Uncertain significance (1 of 4 stars; one submission).

Conditions:
Nephrotic syndrome, type 21. Identifiers: MedGen C5231498, MONDO:0032826, OMIM 618594.

Submission:

OLLIN Analises Genomicas, OLLIN
Classification: Uncertain significance for Nephrotic syndrome, type 21. Last evaluated: 2026-02-13. Review status: criteria provided, single submitter. Criteria: ACMG Guidelines 2015 PMID 25741868. Collection method: clinical testing. Allele origin: germline. Observed: 1 variant allele.
Comment: PM2_P

NM_006576.4(AVIL):c.1444C>T (p.Pro482Ser)

Gene: AVIL (advillin; minus strand). Cytogenetic location: 12q14.1.
Variant type: single nucleotide variant.
Coding change: c.1444C>T on transcript NM_006576.4 (MANE Select); coding-DNA position 1444, C replaced by T.
Protein change: p.Pro482Ser; replaces proline 482 with serine.
Molecular consequence: missense variant.
Genome position (GRCh38, 1-based): chr12:57,807,378, G>A on the plus strand (C>T on the coding strand, the complement: AVIL is on the minus strand). VCF-style: chr12-57807378-G-A. GRCh37 (hg19) VCF-style: chr12-58201161-G-A.
Other names: short protein forms P482S.
Identifiers: ClinVar variation 4814067 (VCV004814067.1).